The following is an entry in ClinVar:

NM_000478.6(ALPL):c.550C>T (p.Arg184Trp)

Gene: ALPL (alkaline phosphatase, biomineralization associated; plus strand). Cytogenetic location: 1p36.12.
Variant type: single nucleotide variant.
Coding change: c.550C>T on transcript NM_000478.6 (MANE Select); coding-DNA position 550, C replaced by T.
Protein change: p.Arg184Trp; replaces arginine 184 with tryptophan.
Molecular consequence: missense variant.
Genome position (GRCh38, 1-based): chr1:21,564,118, C>T. VCF-style: chr1-21564118-C-T. GRCh37 (hg19) VCF-style: chr1-21890611-C-T.
Other names: p.Arg184Trp; c.385C>T, p.Arg129Trp (NM_001127501.4); c.319C>T, p.Arg107Trp (NM_001177520.3); c.550C>T, p.Arg184Trp (NM_001369803.2, NM_001369804.2, NM_001369805.2); short protein forms R184W, R107W, R129W.
Identifiers: ClinVar variation 521379 (VCV000521379.33), dbSNP rs763159520, ClinGen allele CA666527.

ClinVar aggregate classification (germline): Pathogenic/Likely pathogenic. Review status: criteria provided, multiple submitters, no conflicts (2 of 4 stars). 18 submissions from 18 submitters: Pathogenic (15); Likely pathogenic (2). 1 of the submissions does not count toward it. Last evaluated 2026-01-28.

Conditions:
ALPL-related disorder. Also called: ALPL-related disorders; ALPL-related condition.
Osteogenesis imperfecta (OI). Identifiers: Orphanet 666, MedGen C0029434, MeSH D010013, MONDO:0019019.
Infantile hypophosphatasia. Identifiers: Orphanet 247651, Orphanet 436, MedGen C0268412, MONDO:1010169, OMIM 241500, MONDO:0009427.
Adult hypophosphatasia. Identifiers: Orphanet 247676, Orphanet 436, MedGen C0268413, MONDO:1010154, OMIM 146300, MONDO:0007798.
Odontohypophosphatasia. Identifiers: Orphanet 247685, MedGen C1840322, MONDO:0016607.
Inborn genetic diseases. Identifiers: MedGen C0950123, MeSH D030342.
Childhood hypophosphatasia. Identifiers: Orphanet 247667, Orphanet 436, MedGen C0220743, MONDO:1010168, OMIM 241510, MONDO:0009428.
Hypophosphatasia. Also called: Phosphoethanol-aminuria. Identifiers: Orphanet 436, MedGen C0020630, MeSH D007014, MONDO:0018570.

Allele frequency attached by ClinVar (database versions not stated): TOPMed below 0.00001; gnomAD 0.00001; gnomAD exomes 0.00001; ExAC 0.00002.
gnomAD v4.1: 11 of 1,613,932 alleles (0.00068%); highest among the groups gnomAD compares: East Asian, 0.0022%; no homozygotes.

Submissions 1 to 8 of 18:

Labcorp Genetics (formerly Invitae), Labcorp
Classification: Pathogenic. Last evaluated: 2026-01-28. Review status: criteria provided, single submitter. Criteria: Invitae Variant Classification Sherloc (09022015). Collection method: clinical testing. Allele origin: germline.
Comment: This sequence change replaces arginine, which is basic and polar, with tryptophan, which is neutral and slightly polar, at codon 184 of the ALPL protein (p.Arg184Trp). This variant is present in population databases (rs763159520, gnomAD 0.003%). This missense change has been observed in individual(s) with hypophosphatasia and thus appears to be associated with both dominant and recessive ALPL-related disease (PMID: 9781036, 10332035, 11479741, 19232125, 19500388, 24276437, 25731960, 26432670). It has also been observed to segregate with disease in related individuals. This variant is also known as p.Arg167Trp. ClinVar contains an entry for this variant (Variation ID: 521379). Invitae Evidence Modeling of protein sequence and biophysical properties (such as structural, functional, and spatial information, amino acid conservation, physicochemical variation, residue mobility, and thermodynamic stability) indicates that this missense variant is expected to disrupt ALPL protein function with a positive predictive value of 95%. Experimental studies have shown that this missense change affects ALPL function (PMID: 11479741, 19500388). For these reasons, this variant has been classified as Pathogenic.

Mayo Clinic Laboratories, Mayo Clinic
Classification: Pathogenic. Last evaluated: 2025-12-09. Review status: criteria provided, single submitter. Criteria: ACMG Guidelines, 2015. Collection method: clinical testing. Allele origin: germline. Observed: 2 variant alleles.
Comment: PP3, PP4, PM2_supporting, PM3_strong, PS3

PreventionGenetics, part of Exact Sciences
Classification: Pathogenic for ALPL-related condition. Last evaluated: 2025-11-21. Review status: criteria provided, single submitter. Criteria: ACMG Guidelines, 2015. Collection method: clinical testing. Allele origin: germline.
Comment: The ALPL c.550C>T variant is predicted to result in the amino acid substitution p.Arg184Trp. This variant, also referred to as p.Arg167Trp using legacy nomenclature, has been reported in the heterozygous state in many individuals with autosomal dominant hypophosphatasia (HPP) with residual enzyme activity measured to be significantly decreased compared to wildtype (see for examples: Fauvert et al. 2009. PubMed ID: 19500388; Taillandier et al. 2017. PubMed ID: 29236161; Okawa et al. 2019. PubMed ID: 31600233; Table S1, Del Angel et al. 2020. PubMed ID: 32160374; Sperelakis-Beedham et al. 2021. PubMed ID: 33549410). This variant has also been reported with an additional ALPL variant in individuals with a severe form of HPP (described as R167W in Mornet et al. 1998. PubMed ID: 9781036; Okawa et al. 2019. PubMed ID: 31600233; Kishnani et al. 2021. PubMed ID: 33814268). This variant is reported in 0.0028% of alleles in individuals of Latino descent in gnomAD, and has been consistently classified as pathogenic/likely pathogenic by several submitters to the ClinVar database (Variation ID: 521379). An alternate missense change impacting the same amino acid (p.Arg184Gln) has been reported in individuals with HPP (Taillandier et al. 2017. PubMed ID: 29236161). Taken together, the c.550C>T (p.Arg184Trp) variant is interpreted as pathogenic for both autosomal dominant and autosomal recessive disease.

Clinical Genomics Laboratory, Washington University in St. Louis
Classification: Pathogenic for Infantile hypophosphatasia; Childhood hypophosphatasia; Adult hypophosphatasia. Last evaluated: 2025-10-21. Review status: criteria provided, single submitter. Criteria: ACMG Guidelines, 2015. Collection method: clinical testing. Allele origin: germline. Affected: yes.
Comment: The ALPL c.550C>T (p.Arg184Trp) variant has been reported in a compound heterozygous state with pathogenic variants in at least eight individuals with various forms of hypophosphatasia, including perinatal hypophosphatasia, and in the heterozygous state in an individual with odonto hypophosphatasia, as well as in another individual described as a fetus with short and curved long bones, where a secondary variant was not found (Fauvert D et al., 19500388; Kishnani PS et al., PMID: 33814268; Okawa R et al., PMID: 31600233; Reibel A et al., PMID: 19232125; Sperelakis-Beedham B et al., PMID: 33549410; Taillandier A et al., PMID: 26432670; Taketani T et al., PMID: 24276437; Whyte MP et al., PMID: 25731960). This variant has been reported in the ClinVar database as a germline pathogenic variant by 11 submitters and as a likely pathogenic variant by three submitters. This variant is only observed in 1/1,613,932 alleles in the general population (gnomAD v.4.1.0), indicating it is not a common variant. Computational predictors indicate that the variant is damaging, which is consistent with an impact on ALPL function. Functional studies in co-transfection of COS-7 cells with 50% wild-type and 50% mutant plasmids reported a dominant negative effect, with the variant showing approximately 36.7% activity of the wild-type protein (Fauvert D et al., PMID: 19500388). Another variant in the same codon, c.551G>A (p.Arg184Gln), has been reported in affected individuals and is considered pathogenic (Liu W et al., PMID: 30555565; ClinVar Variation ID: 1439050). Based on the available information and the ACMG/AMP guidelines for variant interpretation (Richards S et al., PMID: 25741868), this variant is classified as pathogenic.

Genomenon, Inc
Classification: Pathogenic for Hypophosphatasia. Last evaluated: 2025-08-29. Review status: criteria provided, single submitter. Criteria: Genomenon Sequence Variant Interpretation Standards. Collection method: curation. Allele origin: germline. Affected: yes.
Comment: ALPL c.550C>T is a missense variant that changes the amino acid at residue 184 from Arginine to Tryptophan. This variant has been observed in multiple probands affected with hypophosphatasia (PMID:25731960;36097602;31600233;19500388;31707452;32973344;26432670;29236161;11479741). The variant was found to segregate with disease in at least one affected family (PMID:29236161;11479741). At least one functional study has demonstrated a substantial alteration in protein function relative to the wild-type (PMID:11479741;19500388;31707452). This variant is also described as Arg167Trp in the literature. It is absent or not present at a significant frequency in gnomAD. In silico models agree that this variant is possibly or probably damaging. In conclusion, we classify ALPL p.Arg184Trp (c.550C>T) as a pathogenic variant.

Natera, Inc.
Classification: Pathogenic for Hypophosphatasia. Last evaluated: 2025-03-17. Review status: criteria provided, single submitter. Criteria: Natera Variant Classification Schema (03/2026). Collection method: clinical testing. Allele origin: germline.
Comment: The c.550C>T variant in ALPL is a missense variant predicted to cause substitution of arginine to tryptophan at amino acid 184. This variant is rare in the general population with a frequency below the threshold expected for the associated phenotype(s). This variant has been observed in one or more individuals affected with the associated recessive disease, as either homozygous or compound heterozygous with a second variant (PMID: 9781036, 19232125, 33814268, 31600233, 24276437). Functional studies show that this variant may disrupt protein function (PMID: 32160374). Computational prediction algorithms indicate this variant is likely to affect gene or protein function. Given the available evidence, this variant is classified as Pathogenic.

Blueprint Genetics
Classification: Pathogenic for ALPL-related disorders. Last evaluated: 2024-11-15. Review status: criteria provided, single submitter. Criteria: ACMG Guidelines, 2015. Collection method: clinical testing. Allele origin: germline. Affected: yes. Observed: 3 variant alleles.

Clinical Genetics Laboratory, Skane University Hospital Lund
Classification: Pathogenic for Odontohypophosphatasia. Last evaluated: 2024-05-08. Review status: criteria provided, single submitter. Criteria: ACMG Guidelines, 2015. Collection method: clinical testing. Allele origin: germline. Affected: yes.
Comment: ACMG criteria used: PS3, PS4, PM5, PP3